The following is an entry in ClinVar:

ClinVar aggregate classification (germline): Uncertain significance. Review status: criteria provided, multiple submitters, no conflicts (2 of 4 stars). 6 submissions from 6 submitters: Uncertain significance (6). Last evaluated 2024-11-05.

Conditions:
Inborn genetic diseases. Identifiers: MedGen C0950123, MeSH D030342.
Progressive sclerosing poliodystrophy (MTDPS4A). Also called: Alpers Syndrome; ALPERS DIFFUSE DEGENERATION OF CEREBRAL GRAY MATTER WITH HEPATIC CIRRHOSIS; Alpers-Huttenlocher Syndrome; Mitochondrial DNA depletion syndrome 4A (Alpers type); Mitochondrial DNA Depletion Syndrome 4A; Alpers-Huttenlocher Syndrome (AHS). Identifiers: Orphanet 726, MedGen C0205710, MONDO:0008758, OMIM 203700.

Allele frequency attached by ClinVar (database versions not stated): gnomAD 0.00001; gnomAD exomes 0.00001 and 0.00004; TOPMed 0.00001; ExAC 0.00002.
gnomAD v4.1: 14 of 1,613,930 alleles (0.00087%); highest among the groups gnomAD compares: Middle Eastern, 0.016%; no homozygotes.

Submissions (6):

Labcorp Genetics (formerly Invitae), Labcorp
Classification: Uncertain significance for Progressive sclerosing poliodystrophy. Last evaluated: 2024-11-05. Review status: criteria provided, single submitter. Criteria: Invitae Variant Classification Sherloc (09022015). Collection method: clinical testing. Allele origin: germline.
Comment: This sequence change replaces aspartic acid, which is acidic and polar, with asparagine, which is neutral and polar, at codon 741 of the POLG protein (p.Asp741Asn). This variant is present in population databases (rs751736420, gnomAD 0.05%). This variant has not been reported in the literature in individuals affected with POLG-related conditions. ClinVar contains an entry for this variant (Variation ID: 458702). Invitae Evidence Modeling of protein sequence and biophysical properties (such as structural, functional, and spatial information, amino acid conservation, physicochemical variation, residue mobility, and thermodynamic stability) has been performed for this missense variant. However, the output from this modeling did not meet the statistical confidence thresholds required to predict the impact of this variant on POLG protein function. In summary, the available evidence is currently insufficient to determine the role of this variant in disease. Therefore, it has been classified as a Variant of Uncertain Significance.

Blueprint Genetics
Classification: Uncertain significance. Last evaluated: 2024-05-29. Review status: criteria provided, single submitter. Criteria: ACMG Guidelines, 2015. Collection method: clinical testing. Allele origin: germline.

Women's Health and Genetics/Laboratory Corporation of America, LabCorp
Classification: Uncertain significance. Last evaluated: 2023-08-08. Review status: criteria provided, single submitter. Criteria: LabCorp Variant Classification Summary - May 2015. Collection method: clinical testing. Allele origin: germline.
Comment: Variant summary: POLG c.2221G>A (p.Asp741Asn) results in a conservative amino acid change in the encoded protein sequence. Three of five in-silico tools predict a damaging effect of the variant on protein function. The variant allele was found at a frequency of 3.6e-05 in 251378 control chromosomes (gnomAD). The available data on variant occurrences in the general population are insufficient to allow any conclusion about variant significance. c.2221G>A has been reported in the literature in an individual affected with mtDNA maintenance disorder, with a different pathogenic variant in cis (example: Bychkov_2021). This report does not provide unequivocal conclusions about association of the variant with Mitochondrial DNA Depletion Syndrome - POLG Related. To our knowledge, no experimental evidence demonstrating an impact on protein function has been reported. The following publication has been ascertained in the context of this evaluation (PMID: 33486010). Four submitters have cited clinical-significance assessments for this variant to ClinVar after 2014. All submitters classified the variant as uncertain significance. Based on the evidence outlined above, the variant was classified as uncertain significance.

GeneDx
Classification: Uncertain significance. Last evaluated: 2021-04-01. Review status: criteria provided, single submitter. Criteria: GeneDx Variant Classification Process June 2021. Collection method: clinical testing. Allele origin: germline. Affected: yes.
Comment: In silico analysis supports that this missense variant does not alter protein structure/function; This variant is associated with the following publications: (PMID: 33486010)

Ambry Genetics
Classification: Uncertain significance for Inborn genetic diseases. Last evaluated: 2019-01-05. Review status: criteria provided, single submitter. Criteria: Ambry Variant Classification Scheme 2023. Collection method: clinical testing. Allele origin: germline.
Comment: The p.D741N variant (also known as c.2221G>A), located in coding exon 12 of the POLG gene, results from a G to A substitution at nucleotide position 2221. The aspartic acid at codon 741 is replaced by asparagine, an amino acid with highly similar properties. This amino acid position is highly conserved in available vertebrate species. In addition, the in silico prediction for this alteration is inconclusive. Since supporting evidence is limited at this time, the clinical significance of this alteration remains unclear.

Eurofins Ntd Llc (ga)
Classification: Uncertain significance. Last evaluated: 2017-01-25. Review status: criteria provided, single submitter. Criteria: EGL Classification Definitions 2015. Collection method: clinical testing. Allele origin: germline. Observed: 1 variant allele, 1 heterozygote.

Literature cited by the submitters: PubMed 33486010 (cited by Women's Health and Genetics/Laboratory Corporation of America, LabCorp).

NM_002693.3(POLG):c.2221G>A (p.Asp741Asn)

Gene: POLG (DNA polymerase gamma, catalytic subunit; minus strand). Cytogenetic location: 15q26.1.
Variant type: single nucleotide variant.
Coding change: c.2221G>A on transcript NM_002693.3 (MANE Select); coding-DNA position 2221, G replaced by A.
Protein change: p.Asp741Asn; replaces aspartic acid 741 with asparagine.
Molecular consequence: missense variant.
Genome position (GRCh38, 1-based): chr15:89,323,448, C>T on the plus strand (G>A on the coding strand, the complement: POLG is on the minus strand). VCF-style: chr15-89323448-C-T. GRCh37 (hg19) VCF-style: chr15-89866679-C-T.
Other names: c.2221G>A, p.Asp741Asn (NM_001126131.2); short protein forms D741N.
Identifiers: ClinVar variation 458702 (VCV000458702.20), dbSNP rs751736420, ClinGen allele CA7724540.
Genomic context (GRCh38, chr15:89,323,448, plus strand): 5'-ATGACCCAGGACACACCTTGTGAGGCAGCTTGAAAAACCAGCAGCCAGGGATGTCCACGT[C>T]GTTGTAAGGTCCATTGCCATGGTGATAGCTGGGCTGGGTGTCCTTGGGGCCACCACGGGC-3'
Protein context (NP_002684.1, residues 731-751): SYHHGNGPYN[Asp741Asn]VDIPGCWFFK